The following is an entry in ClinVar:

NM_000136.3(FANCC):c.-41A>G

Gene: FANCC (FA complementation group C; minus strand). Cytogenetic location: 9q22.32.
Variant type: single nucleotide variant.
Coding change: c.-41A>G on transcript NM_000136.3 (MANE Select); 41 bases upstream of the start codon, A replaced by G.
Molecular consequence: 5 prime UTR variant.
Genome position (GRCh38, 1-based): chr9:95,249,332, T>C on the plus strand (A>G on the coding strand, the complement: FANCC is on the minus strand). VCF-style: chr9-95249332-T-C. GRCh37 (hg19) VCF-style: chr9-98011614-T-C.
Other names: c.-41A>G (NM_001243743.2, NM_001243744.2).
Identifiers: ClinVar variation 516059 (VCV000516059.10), dbSNP rs768624552, ClinGen allele CA5137858.
Genomic context (GRCh38, chr9:95,249,332, plus strand): 5'-TCTACTGAATCTTGAGCCATCTTGGAAAAAGCGAAAAGGTGATGTCCCTTCACAGCAGCC[T>C]GTCCAGCACTGAAGGAAATGGTCGGCACACATTAAATCTGTAAGAAAGGGAACAAATAGA-3'

ClinVar aggregate classification (germline): Likely benign. Review status: criteria provided, multiple submitters, no conflicts (2 of 4 stars). 2 submissions from 2 submitters: Likely benign (2). Last evaluated 2026-02-01.

Conditions:
Fanconi anemia (FA). Also called: Fanconi's anemia. Identifiers: Orphanet 84, MedGen C0015625, MeSH D005199, MONDO:0019391.

Allele frequency attached by ClinVar (database versions not stated): gnomAD 0.00001; TOPMed 0.00001; gnomAD exomes 0.00002 and 0.00003; ExAC 0.00003.
gnomAD v4.1: 40 of 1,593,486 alleles (0.0025%); highest among the groups gnomAD compares: East Asian, 0.045%; no homozygotes.

Submissions (2):

Labcorp Genetics (formerly Invitae), Labcorp
Classification: Likely benign for Fanconi anemia. Last evaluated: 2026-02-01. Review status: criteria provided, single submitter. Criteria: Invitae Variant Classification Sherloc (09022015). Collection method: clinical testing. Allele origin: germline.

GeneDx
Classification: Likely benign. Last evaluated: 2017-04-10. Review status: criteria provided, single submitter. Criteria: GeneDx Variant Classification (06012015). Collection method: clinical testing. Allele origin: germline. Affected: yes.
Comment: This variant is considered likely benign or benign based on one or more of the following criteria: it is a conservative change, it occurs at a poorly conserved position in the protein, it is predicted to be benign by multiple in silico algorithms, and/or has population frequency not consistent with disease.